The following is an entry in ClinVar:

ClinVar aggregate classification (germline): Likely benign. Review status: criteria provided, single submitter (1 of 4 stars). 2 submissions from 2 submitters: Likely benign (1). 1 of the submissions does not count toward it. Last evaluated 2017-12-14.

Conditions:
MCM9-related disorder. Also called: MCM9-related condition.

Allele frequency attached by ClinVar (database versions not stated): gnomAD 0.00010 and 0.00011; gnomAD exomes 0.00014 and 0.00068; TOPMed 0.00033; ExAC 0.00059; 1000 Genomes Project 0.00060; 1000 Genomes Project 30x 0.00078.
gnomAD v4.1: 216 of 1,614,138 alleles (0.013%); highest among the groups gnomAD compares: Admixed American, 0.35%; 1 homozygote.

Submissions (2):

Labcorp Genetics (formerly Invitae), Labcorp
Classification: Likely benign. Last evaluated: 2017-12-14. Review status: criteria provided, single submitter. Criteria: Invitae Variant Classification Sherloc (09022015). Collection method: clinical testing. Allele origin: germline.

PreventionGenetics, part of Exact Sciences
Classification: Likely benign for MCM9-related condition. Last evaluated: 2024-03-08. Review status: no assertion criteria provided. Collection method: clinical testing. Allele origin: germline. Not counted in ClinVar's aggregate classification.
Comment: This variant is classified as likely benign based on ACMG/AMP sequence variant interpretation guidelines (Richards et al. 2015 PMID: 25741868, with internal and published modifications).

NM_017696.3(MCM9):c.572C>T (p.Ser191Leu)

Gene: MCM9 (minichromosome maintenance 9 homologous recombination repair factor; minus strand). Cytogenetic location: 6q22.31.
Variant type: single nucleotide variant.
Coding change: c.572C>T on transcript NM_017696.3 (MANE Select); coding-DNA position 572, C replaced by T.
Protein change: p.Ser191Leu; replaces serine 191 with leucine.
Molecular consequence: missense variant. On other transcripts: non-coding transcript variant (2).
Genome position (GRCh38, 1-based): chr6:118,923,860, G>A on the plus strand (C>T on the coding strand, the complement: MCM9 is on the minus strand). VCF-style: chr6-118923860-G-A. GRCh37 (hg19) VCF-style: chr6-119245025-G-A.
Other names: c.572C>T, p.Ser191Leu (NM_001378356.1, NM_001378357.1, NM_001378358.1 and 9 more transcripts); c.374C>T, p.Ser125Leu (NM_001378361.1, NM_001378362.1, NM_001378363.1 and 3 more transcripts); short protein forms S191L, S125L.
Identifiers: ClinVar variation 726323 (VCV000726323.4), dbSNP rs182397736, ClinGen allele CA3978689.